The following is an entry in ClinVar:

NM_020800.3(IFT80):c.1836+5T>C

Genes: IFT80 (intraflagellar transport 80; minus strand), TRIM59-IFT80 (TRIM59-IFT80 readthrough (NMD candidate); minus strand). Cytogenetic location: 3q25.33.
Variant type: single nucleotide variant.
Coding change: c.1836+5T>C on transcript NM_020800.3 (MANE Select); 5 bases into the intron after coding-DNA position 1836, T replaced by C.
Molecular consequence: intron variant.
Genome position (GRCh38, 1-based): chr3:160,279,188, A>G on the plus strand (T>C on the coding strand, the complement: IFT80 is on the minus strand). VCF-style: chr3-160279188-A-G. GRCh37 (hg19) VCF-style: chr3-159996976-A-G.
Other names: c.1425+5T>C (NM_001190241.2, NM_001190242.2).
Identifiers: ClinVar variation 967199 (VCV000967199.10), dbSNP rs373116334, ClinGen allele CA2685046.
Genomic context (GRCh38, chr3:160,279,188, plus strand): 5'-CATTTTGCACAAAGGTAAACTACTATGAAATATATATACAACTATGAATCTAAAATGTAA[A>G]TTACCTTAACAAAGCGACAAAGTCTCACAGCATCTTCCCATTTTGAACTGCTTACATATT-3'

ClinVar aggregate classification (germline): Uncertain significance. Review status: criteria provided, multiple submitters, no conflicts (2 of 4 stars). 3 submissions from 3 submitters: Uncertain significance (2). 1 of the submissions does not count toward it. Last evaluated 2024-05-21.

Conditions:
Jeune thoracic dystrophy. Also called: Jeune syndrome; Infantile thoracic dystrophy; Thoracic pelvic phalangeal dystrophy; Jeune's syndrome; Chondroectodermal dysplasia-like syndrome; Short-rib thoracic dysplasia. Identifiers: Orphanet 474, MedGen C0265275, MONDO:0018770.
IFT80-related disorder. Also called: IFT80-related condition.
Asphyxiating thoracic dystrophy 2 (SRTD2). Also called: SHORT-RIB THORACIC DYSPLASIA 2 WITH OR WITHOUT POLYDACTYLY; SHORT-RIB THORACIC DYSPLASIA 2 WITH POLYDACTYLY; SHORT-RIB THORACIC DYSPLASIA 2 WITHOUT POLYDACTYLY. Identifiers: Orphanet 474, MedGen C1970005, MONDO:0012644, OMIM 611263.

Allele frequency attached by ClinVar (database versions not stated): gnomAD 0.00001; TOPMed 0.00001; gnomAD exomes 0.00002; ExAC 0.00003; ESP Exome Variant Server 0.00015.
gnomAD v4.1: 26 of 1,610,300 alleles (0.0016%); highest among the groups gnomAD compares: Non-Finnish European, 0.0021%; no homozygotes.

Submissions (3):

Fulgent Genetics
Classification: Uncertain significance for Asphyxiating thoracic dystrophy 2. Last evaluated: 2024-05-21. Review status: criteria provided, single submitter. Criteria: ACMG Guidelines, 2015. Collection method: clinical testing. Allele origin: germline.

Labcorp Genetics (formerly Invitae), Labcorp
Classification: Uncertain significance for Jeune thoracic dystrophy. Last evaluated: 2022-09-12. Review status: criteria provided, single submitter. Criteria: Invitae Variant Classification Sherloc (09022015). Collection method: clinical testing. Allele origin: germline.
Comment: This sequence change falls in intron 16 of the IFT80 gene. It does not directly change the encoded amino acid sequence of the IFT80 protein. It affects a nucleotide within the consensus splice site. This variant is present in population databases (rs373116334, gnomAD 0.006%). This variant has not been reported in the literature in individuals affected with IFT80-related conditions. ClinVar contains an entry for this variant (Variation ID: 967199). Variants that disrupt the consensus splice site are a relatively common cause of aberrant splicing (PMID: 17576681, 9536098). Algorithms developed to predict the effect of sequence changes on RNA splicing suggest that this variant is not likely to affect RNA splicing. In summary, the available evidence is currently insufficient to determine the role of this variant in disease. Therefore, it has been classified as a Variant of Uncertain Significance.

PreventionGenetics, part of Exact Sciences
Classification: Likely benign for IFT80-related condition. Last evaluated: 2019-09-18. Review status: no assertion criteria provided. Collection method: clinical testing. Allele origin: germline. Not counted in ClinVar's aggregate classification.
Comment: This variant is classified as likely benign based on ACMG/AMP sequence variant interpretation guidelines (Richards et al. 2015 PMID: 25741868, with internal and published modifications).

Literature cited by the submitters: PubMed 17576681 (cited by Labcorp Genetics (formerly Invitae), Labcorp); PubMed 9536098 (cited by Labcorp Genetics (formerly Invitae), Labcorp).